The following is an entry in ClinVar:

NM_000173.7(GP1BA):c.555_590del (p.Asn185_Glu197delinsLys)

Gene: GP1BA (glycoprotein Ib platelet subunit alpha; plus strand). Cytogenetic location: 17p13.2.
Variant type: Deletion.
Coding change: c.555_590del on transcript NM_000173.7 (MANE Select); coding-DNA positions 555 to 590, 36 bases deleted.
Protein change: p.Asn185_Glu197delinsLys.
Molecular consequence: inframe indel.
Genome position (GRCh38, 1-based): chr17:4,933,159-4,933,194, 36 bases deleted; deleting any 36 consecutive bases within chr17:4,933,158-4,933,194 gives the same sequence; the c. name uses the placement nearest the transcript's 3' end. GRCh37 (hg19): chr17:4,836,454-4,836,489.
Other names: c.555_590del36 (NM_000173.7).
Identifiers: ClinVar variation 3233827 (VCV003233827.2), dbSNP rs2151107898, ClinGen allele CA2695224147.
Genomic context (GRCh38, chr17:4,933,157, plus strand): 5'-AAGCTGGAGAAGCTCAGTCTGGCTAACAACAACTTGACTGAGCTCCCCGCTGGGCTCCTG[AATGGGCTGGAGAATCTCGACACCCTTCTCCTCCAAG>A]AGAACTCGCTGTATACAATACCAAAGGGCTTTTTTGGGTCCCACCTCCTGCCTTTTGCTT-3'

ClinVar aggregate classification (germline): Uncertain significance (1 of 4 stars; one submission).

Submission:

Women's Health and Genetics/Laboratory Corporation of America, LabCorp
Classification: Uncertain significance. Last evaluated: 2024-03-21. Review status: criteria provided, single submitter. Criteria: LabCorp Variant Classification Summary - May 2015. Collection method: clinical testing. Allele origin: germline.
Comment: Variant summary: GP1BA c.555_590del36 (p.Asn185_Glu197delinsLys) results in an in-frame deletion-insertion that is predicted to delete 13 amino acids and insert one amino acid from the protein. The variant was absent in 249086 control chromosomes. The available data on variant occurrences in the general population are insufficient to allow any conclusion about variant significance. c.555_590del36 has been reported in trans with a pathogenic missense in at-least one individual affected with recessive Bernard-Soulier Syndrome (Margaglione_1999, Savoia_2014). These data do not allow any conclusion about variant significance. To our knowledge, no experimental evidence demonstrating an impact on protein function has been reported. The following publications have been ascertained in the context of this evaluation (PMID: 24934643, 10235425). No submitters have cited clinical-significance assessments for this variant to ClinVar. Based on the evidence outlined above, the variant was classified as uncertain significance.

Literature cited by the submitters: PubMed 10235425; PubMed 24934643.